The following is an entry in ClinVar:

NM_053025.4(MYLK):c.1433G>A (p.Arg478Gln)

Gene: MYLK (myosin light chain kinase; minus strand). Cytogenetic location: 3q21.1.
Variant type: single nucleotide variant.
Coding change: c.1433G>A on transcript NM_053025.4 (MANE Select); coding-DNA position 1433, G replaced by A.
Protein change: p.Arg478Gln; replaces arginine 478 with glutamine.
Molecular consequence: missense variant. On other transcripts: intron variant (2).
Genome position (GRCh38, 1-based): chr3:123,732,979, C>T on the plus strand (G>A on the coding strand, the complement: MYLK is on the minus strand). VCF-style: chr3-123732979-C-T. GRCh37 (hg19) VCF-style: chr3-123451826-C-T.
Other names: c.905G>A, p.Arg302Gln (NM_001321309.2); c.1433G>A, p.Arg478Gln (NM_053027.4); c.1309+708G>A (NM_053028.4, NM_053026.4); short protein forms R478Q, R302Q.
Identifiers: ClinVar variation 409686 (VCV000409686.10), dbSNP rs775483725, ClinGen allele CA067086.
Genomic context (GRCh38, chr3:123,732,979, plus strand): 5'-CAGGACAGCTGGCCTTGGGCGTTGGAAGCAGTGCAGCTGTATGTCCCACTGTCCCTGGTC[C>T]GGGCTTTCAGCAGGCAGAGGTAATGGGAGCCAGCATCTTCATAAACCTCAATGCTGCCTT-3'
Protein context (NP_444253.3, residues 468-488): GSHYLCLLKA[Arg478Gln]TRDSGTYSCT

ClinVar aggregate classification (germline): Uncertain significance. Review status: criteria provided, multiple submitters, no conflicts (2 of 4 stars). 3 submissions from 3 submitters: Uncertain significance (3). Last evaluated 2026-07-21.

Conditions:
Aortic aneurysm, familial thoracic 7 (AAT7). Also called: AORTIC DISSECTION, FAMILIAL, WITH OR WITHOUT AORTIC ANEURYSM. Identifiers: MedGen C3151077, MONDO:0013418, OMIM 613780.
Familial thoracic aortic aneurysm and aortic dissection (TAAD). Also called: Thoracic aortic aneurysms and dissections. Identifiers: Orphanet 91387, MedGen C4707243, MONDO:0019625.

Allele frequency attached by ClinVar (database versions not stated): gnomAD exomes 0.00001 and 0.00002; ExAC 0.00002; gnomAD 0.00002; TOPMed 0.00002.
gnomAD v4.1: 25 of 1,614,056 alleles (0.0015%); highest among the groups gnomAD compares: East Asian, 0.018%; no homozygotes.

Submissions (3):

Ambry Genetics
Classification: Uncertain significance for Familial thoracic aortic aneurysm and aortic dissection. Last evaluated: 2026-07-21. Review status: criteria provided, single submitter. Criteria: Ambry Variant Classification Scheme 2023. Collection method: clinical testing. Allele origin: germline.
Comment: The p.R478Q variant (also known as c.1433G>A), located in coding exon 8 of the MYLK gene, results from a G to A substitution at nucleotide position 1433. The arginine at codon 478 is replaced by glutamine, an amino acid with highly similar properties. This amino acid position is conserved. In addition, this alteration is predicted to be tolerated by in silico analysis. Based on the available evidence, the clinical significance of this variant remains unclear.

Labcorp Genetics (formerly Invitae), Labcorp
Classification: Uncertain significance for Aortic aneurysm, familial thoracic 7. Last evaluated: 2025-10-04. Review status: criteria provided, single submitter. Criteria: Invitae Variant Classification Sherloc (09022015). Collection method: clinical testing. Allele origin: germline.
Comment: This sequence change replaces arginine, which is basic and polar, with glutamine, which is neutral and polar, at codon 478 of the MYLK protein (p.Arg478Gln). This variant is present in population databases (rs775483725, gnomAD 0.01%). This variant has not been reported in the literature in individuals affected with MYLK-related conditions. ClinVar contains an entry for this variant (Variation ID: 409686). Invitae Evidence Modeling of protein sequence and biophysical properties (such as structural, functional, and spatial information, amino acid conservation, physicochemical variation, residue mobility, and thermodynamic stability) indicates that this missense variant is not expected to disrupt MYLK protein function with a negative predictive value of 95%. In summary, the available evidence is currently insufficient to determine the role of this variant in disease. Therefore, it has been classified as a Variant of Uncertain Significance.

GeneDx
Classification: Uncertain significance. Last evaluated: 2024-03-14. Review status: criteria provided, single submitter. Criteria: GeneDx Variant Classification Process June 2021. Collection method: clinical testing. Allele origin: germline. Affected: yes.
Comment: Has not been previously published as pathogenic or benign to our knowledge; Not observed at significant frequency in large population cohorts (gnomAD); In silico analysis supports that this missense variant does not alter protein structure/function